The following is an entry in ClinVar:

NM_000368.5(TSC1):c.2132A>G (p.Gln711Arg)

Gene: TSC1 (TSC complex subunit 1; minus strand). Cytogenetic location: 9q34.13.
Variant type: single nucleotide variant.
Coding change: c.2132A>G on transcript NM_000368.5 (MANE Select); coding-DNA position 2132, A replaced by G.
Protein change: p.Gln711Arg; replaces glutamine 711 with arginine.
Molecular consequence: missense variant.
Genome position (GRCh38, 1-based): chr9:132,903,727, T>C on the plus strand (A>G on the coding strand, the complement: TSC1 is on the minus strand). VCF-style: chr9-132903727-T-C. GRCh37 (hg19) VCF-style: chr9-135779114-T-C.
Other names: c.2129A>G, p.Gln710Arg (NM_001162426.2, NM_001406597.1, NM_001406598.1 and 4 more transcripts); c.1979A>G, p.Gln660Arg (NM_001162427.2, NM_001406610.1); c.1769A>G, p.Gln590Arg (NM_001362177.2, NM_001406614.1, NM_001406615.1 and 5 more transcripts); c.2132A>G, p.Gln711Arg (NM_001406592.1, NM_001406593.1, NM_001406594.1 and 5 more transcripts); c.1976A>G, p.Gln659Arg (NM_001406611.1, NM_001406612.1, NM_001406613.1); c.1178A>G, p.Gln393Arg (NM_001406628.1, NM_001406627.1); c.1079A>G, p.Gln360Arg (NM_001406629.1, NM_001406630.1); c.2117A>G, p.Gln706Arg (NM_001406601.1, NM_001406602.1); and 3 more; short protein forms Q393R, Q394R, Q710R, Q360R, Q706R, Q590R, Q659R, Q660R.
Identifiers: ClinVar variation 1786423 (VCV001786423.3), dbSNP rs2538652391, ClinGen allele CA375360976.

ClinVar aggregate classification (germline): Uncertain significance (1 of 4 stars; one submission).

Conditions:
Hereditary cancer-predisposing syndrome. Also called: Hereditary Cancer Syndrome; Hereditary neoplastic syndrome; Neoplastic Syndromes, Hereditary; Tumor predisposition. Identifiers: Orphanet 140162, MedGen C0027672, MeSH D009386, MONDO:0015356.

Submission:

Ambry Genetics
Classification: Uncertain significance for Hereditary cancer-predisposing syndrome. Last evaluated: 2026-09-11. Review status: criteria provided, single submitter. Criteria: Ambry Variant Classification Scheme 2023. Collection method: clinical testing. Allele origin: germline.
Comment: The p.Q711R variant (also known as c.2132A>G), located in coding exon 15 of the TSC1 gene, results from an A to G substitution at nucleotide position 2132. The glutamine at codon 711 is replaced by arginine, an amino acid with highly similar properties. This amino acid position is highly conserved in available vertebrate species. In addition, this alteration is predicted to be deleterious by in silico analysis. Based on the available evidence, the clinical significance of this variant remains unclear.